The following is an entry in ClinVar:

NM_001103.4(ACTN2):c.950A>C (p.Gln317Pro)

Gene: ACTN2 (actinin alpha 2; plus strand). Cytogenetic location: 1q43.
Variant type: single nucleotide variant.
Coding change: c.950A>C on transcript NM_001103.4 (MANE Select); coding-DNA position 950, A replaced by C.
Protein change: p.Gln317Pro; replaces glutamine 317 with proline.
Molecular consequence: missense variant. On other transcripts: non-coding transcript variant (1).
Genome position (GRCh38, 1-based): chr1:236,739,375, A>C. VCF-style: chr1-236739375-A-C. GRCh37 (hg19) VCF-style: chr1-236902675-A-C.
Other names: c.950A>C, p.Gln317Pro (NM_001278343.2); c.326A>C, p.Gln109Pro (NM_001278344.2); c.200A>C, p.Gln67Pro (NM_001412150.1); short protein forms Q109P, Q317P, Q67P.
Identifiers: ClinVar variation 3232709 (VCV003232709.2), dbSNP rs970567732, ClinGen allele CA345380263.

ClinVar aggregate classification (germline): Uncertain significance. Review status: criteria provided, multiple submitters, no conflicts (2 of 4 stars). 2 submissions from 2 submitters: Uncertain significance (2). Last evaluated 2025-04-07.

Conditions:
Primary familial hypertrophic cardiomyopathy (HCM). Identifiers: Orphanet 99739, MedGen C0949658, MeSH D024741, MONDO:0024573. Inheritance: Various modes of inheritance.
Dilated cardiomyopathy 1AA (CMD1AA). Also called: CARDIOMYOPATHY, DILATED, 1AA, WITH OR WITHOUT LEFT VENTRICULAR NONCOMPACTION; CARDIOMYOPATHY, FAMILIAL HYPERTROPHIC, 23, WITH OR WITHOUT LEFT VENTRICULAR NONCOMPACTION; Cardiomyopathy, dilated, 1AA, with or without LVNC. Identifiers: Orphanet 154, MedGen C2677338, MONDO:0012808, OMIM 612158.
Cardiovascular phenotype. Identifiers: MedGen CN230736.

gnomAD v4.1: 2 of 1,614,140 alleles (0.00012%); highest among the groups gnomAD compares: Non-Finnish European, 0.00017%; no homozygotes.

Submissions (2):

Labcorp Genetics (formerly Invitae), Labcorp
Classification: Uncertain significance for Primary familial hypertrophic cardiomyopathy; Dilated cardiomyopathy 1AA. Last evaluated: 2025-04-07. Review status: criteria provided, single submitter. Criteria: Invitae Variant Classification Sherloc (09022015). Collection method: clinical testing. Allele origin: germline.
Comment: This sequence change replaces glutamine, which is neutral and polar, with proline, which is neutral and non-polar, at codon 317 of the ACTN2 protein (p.Gln317Pro). This variant is not present in population databases (gnomAD no frequency). This variant has not been reported in the literature in individuals affected with ACTN2-related conditions. ClinVar contains an entry for this variant (Variation ID: 3232709). Invitae Evidence Modeling of protein sequence and biophysical properties (such as structural, functional, and spatial information, amino acid conservation, physicochemical variation, residue mobility, and thermodynamic stability) has been performed for this missense variant. However, the output from this modeling did not meet the statistical confidence thresholds required to predict the impact of this variant on ACTN2 protein function. In summary, the available evidence is currently insufficient to determine the role of this variant in disease. Therefore, it has been classified as a Variant of Uncertain Significance.

Ambry Genetics
Classification: Uncertain significance for Cardiovascular phenotype. Last evaluated: 2023-09-18. Review status: criteria provided, single submitter. Criteria: Ambry Variant Classification Scheme 2023. Collection method: clinical testing. Allele origin: germline.
Comment: The p.Q317P variant (also known as c.950A>C), located in coding exon 10 of the ACTN2 gene, results from an A to C substitution at nucleotide position 950. The glutamine at codon 317 is replaced by proline, an amino acid with similar properties. This amino acid position is conserved. In addition, this alteration is predicted to be deleterious by in silico analysis. Since supporting evidence is limited at this time, the clinical significance of this alteration remains unclear.